The following is an entry in ClinVar:

ClinVar aggregate classification (germline): Pathogenic/Likely pathogenic. Review status: criteria provided, multiple submitters, no conflicts (2 of 4 stars). 2 submissions from 2 submitters: Pathogenic (1); Likely pathogenic (1). Last evaluated 2023-04-22.

Conditions:
Dilated cardiomyopathy 1G (CMD1G). Identifiers: Orphanet 154, MedGen C1858763, MONDO:0011400, OMIM 604145.
Autosomal recessive limb-girdle muscular dystrophy type 2J (LGMDR10). Also called: MUSCULAR DYSTROPHY, LIMB-GIRDLE, AUTOSOMAL RECESSIVE 10; Limb-girdle muscular dystrophy, type 2J. Identifiers: Orphanet 140922, MedGen C1837342, MONDO:0012127, OMIM 608807.

Submissions (2):

Labcorp Genetics (formerly Invitae), Labcorp
Classification: Likely pathogenic for Dilated cardiomyopathy 1G; Autosomal recessive limb-girdle muscular dystrophy type 2J. Last evaluated: 2023-04-22. Review status: criteria provided, single submitter. Criteria: Invitae Variant Classification Sherloc (09022015). Collection method: clinical testing. Allele origin: germline.
Comment: This sequence change creates a premature translational stop signal (p.Lys29757Serfs*17) in the TTN gene. While this is not anticipated to result in nonsense mediated decay, it is expected to create a truncated TTN protein. This variant is not present in population databases (gnomAD no frequency). This variant has not been reported in the literature in individuals affected with TTN-related conditions. ClinVar contains an entry for this variant (Variation ID: 202490). This variant is located in the A band of TTN (PMID: 25589632). Truncating variants in this region are significantly overrepresented in patients affected with dilated cardiomyopathy (PMID: 25589632). Truncating variants in this region have also been reported in individuals affected with autosomal recessive centronuclear myopathy (PMID: 23975875). In summary, the currently available evidence indicates that the variant is pathogenic, but additional data are needed to prove that conclusively. Therefore, this variant has been classified as Likely Pathogenic.

GeneDx
Classification: Pathogenic. Last evaluated: 2012-11-30. Review status: criteria provided, single submitter. Criteria: GeneDx Variant Classification (06012015). Collection method: clinical testing. Allele origin: germline. Affected: yes.
Comment: c.81566delA: p.Lys27189SerfsX17 (K27189SfsX17) in exon 283 of the TTN gene (NM_133378.4). The normal sequence with the base that is deleted in braces is: AGTA{A}GCCT. Although the c.81566delA mutation in the TTN gene has not been reported to our knowledge, this mutation causes a shift in reading frame starting at codon Lysine 27189, changing it to a Serine, and creating a premature stop codon at position 17 of the new reading frame, denoted p.Lys27189SerfsX17. This mutation is expected to result in either an abnormal, truncated protein product or loss of protein from this allele through nonsense-mediated mRNA decay. Another nearby frameshift mutation in the same fibronectin domain of the titin protein has been reported in association with DCM which causes a similar protein effect (c.82381delG, or p.Glu27461LysfsX11) (Gerull B et al., 2006). In summary, c.81566delA in the TTN gene is interpreted as a disease-causing mutation. The variant is found in DCM panel(s).

Literature cited by the submitters: PubMed 25589632 (cited by Labcorp Genetics (formerly Invitae), Labcorp); PubMed 23975875 (cited by Labcorp Genetics (formerly Invitae), Labcorp).

NM_001267550.2(TTN):c.89270del (p.Lys29757fs)

Genes: TTN-AS1 (TTN antisense RNA 1; plus strand), TTN (titin; minus strand). Cytogenetic location: 2q31.2.
Variant type: Deletion.
Coding change: c.89270del on transcript NM_001267550.2 (MANE Select); coding-DNA position 89270, one base deleted (A; older notation c.89270delA).
Protein change: p.Lys29757fs; shifts the reading frame from lysine 29757.
Molecular consequence: frameshift variant.
Genome position (GRCh38, 1-based): chr2:178,553,735, T deleted on the plus strand (A on the coding strand, the reverse complement: TTN is on the minus strand); the first of 2 consecutive T bases (chr2:178,553,735-178,553,736); deleting either gives the same sequence. VCF-style (leftmost placement, unchanged base first): chr2-178553734-CT-C. GRCh37 (hg19) VCF-style: chr2-179418461-CT-C.
Other names: c.84347del, p.Lys28116fs (NM_001256850.1); c.62075del, p.Lys20692fs (NM_003319.4); c.81566del, p.Lys27189fs (NM_133378.4); c.62450del, p.Lys20817fs (NM_133432.3); c.62651del, p.Lys20884fs (NM_133437.4); c.81565delA (NM_133378.4); short protein forms K27189fs, K29757fs, K20817fs, K20884fs, K28116fs, K20692fs.
Identifiers: ClinVar variation 202490 (VCV000202490.4), dbSNP rs794729362, ClinGen allele CA309453.